The following is an entry in ClinVar:

ClinVar aggregate classification (germline): Uncertain significance (1 of 4 stars; one submission).

gnomAD v4.1: 1 of 1,490,370 alleles (0.000067%); highest among the groups gnomAD compares: Admixed American, 0.0023%; no homozygotes.

Submission:

Labcorp Genetics (formerly Invitae), Labcorp
Classification: Uncertain significance. Last evaluated: 2024-01-22. Review status: criteria provided, single submitter. Criteria: Invitae Variant Classification Sherloc (09022015). Collection method: clinical testing. Allele origin: germline.
Comment: This sequence change replaces glutamic acid, which is acidic and polar, with glutamine, which is neutral and polar, at codon 27 of the ISCU protein (p.Glu27Gln). This variant is not present in population databases (gnomAD no frequency). This variant has not been reported in the literature in individuals affected with ISCU-related conditions. ClinVar contains an entry for this variant (Variation ID: 1434403). Experimental studies and prediction algorithms are not available or were not evaluated, and the functional significance of this variant is currently unknown. In summary, the available evidence is currently insufficient to determine the role of this variant in disease. Therefore, it has been classified as a Variant of Uncertain Significance.

NM_213595.4(ISCU):c.79G>C (p.Glu27Gln)

Genes: ISCU (iron-sulfur cluster assembly enzyme; plus strand), LOC130008688 (ATAC-STARR-seq lymphoblastoid silent region 4828; plus strand). Cytogenetic location: 12q23.3.
Variant type: single nucleotide variant.
Coding change: c.79G>C on transcript NM_213595.4 (MANE Select); coding-DNA position 79, G replaced by C.
Protein change: p.Glu27Gln; replaces glutamic acid 27 with glutamine.
Molecular consequence: missense variant. On other transcripts: 5 prime UTR variant (1), non-coding transcript variant (1).
Genome position (GRCh38, 1-based): chr12:108,562,701, G>C. VCF-style: chr12-108562701-G-C. GRCh37 (hg19) VCF-style: chr12-108956477-G-C.
Other names: c.79G>C, p.Glu27Gln (NM_001320042.1, NM_001301140.1, NM_001301141.1); c.-93G>C (NM_014301.4); short protein forms E27Q.
Identifiers: ClinVar variation 1434403 (VCV001434403.6), dbSNP rs2136709332, ClinGen allele CA386428771.